The following is an entry in ClinVar:

ClinVar aggregate classification (germline): Pathogenic/Likely pathogenic. Review status: criteria provided, multiple submitters, no conflicts (2 of 4 stars). 6 submissions from 6 submitters: Pathogenic (5); Likely pathogenic (1). Last evaluated 2025-06-22.

Conditions:
Multiple endocrine neoplasia, type 1 (MEN1). Also called: MEN I; WERMER SYNDROME; Endocrine adenomatosis multiple; MEN 1; MEA I. Identifiers: Orphanet 652, MedGen C0025267, MeSH D018761, MONDO:0007540, OMIM 131100.
Hereditary cancer-predisposing syndrome. Also called: Neoplastic Syndromes, Hereditary; Tumor predisposition; Hereditary neoplastic syndrome; Hereditary Cancer Syndrome. Identifiers: Orphanet 140162, MedGen C0027672, MeSH D009386, MONDO:0015356.

Submissions (6):

Labcorp Genetics (formerly Invitae), Labcorp
Classification: Pathogenic for Multiple endocrine neoplasia, type 1. Last evaluated: 2025-06-22. Review status: criteria provided, single submitter. Criteria: Invitae Variant Classification Sherloc (09022015). Collection method: clinical testing. Allele origin: germline.
Comment: This sequence change creates a premature translational stop signal (p.Tyr77*) in the MEN1 gene. It is expected to result in an absent or disrupted protein product. Loss-of-function variants in MEN1 are known to be pathogenic (PMID: 12112656, 17853334). This variant is not present in population databases (gnomAD no frequency). This premature translational stop signal has been observed in individual(s) with MEN1-related condition (PMID: 15714081). Invitae Evidence Modeling of clinical and family history, age, sex, and reported ancestry of multiple individuals with this MEN1 variant has been performed. This variant is expected to be pathogenic with a positive predictive value of at least 99%. This is a validated machine learning model that incorporates the clinical features of 1,366,787 individuals referred to our laboratory for MEN1 testing. ClinVar contains an entry for this variant (Variation ID: 527270). For these reasons, this variant has been classified as Pathogenic.

Quest Diagnostics Nichols Institute San Juan Capistrano
Classification: Pathogenic. Last evaluated: 2025-03-11. Review status: criteria provided, single submitter. Criteria: Quest Diagnostics criteria. Collection method: clinical testing. Allele origin: unknown.
Comment: The MEN1 c.231C>G (p.Tyr77*) variant causes the premature termination of MEN1 protein synthesis. This variant has been reported in the published literature in individuals with multiple endocrine neoplasia type 1 (MEN1) syndrome (PMID: 15670192 (2005), 15714081 (2005), 30820182 (2019)). This variant has not been reported in large, multi-ethnic general populations (Genome Aggregation Database). Based on the available information, this variant is classified as pathogenic.

Ambry Genetics
Classification: Pathogenic for Hereditary cancer-predisposing syndrome. Last evaluated: 2024-10-16. Review status: criteria provided, single submitter. Criteria: Ambry Variant Classification Scheme 2023. Collection method: clinical testing. Allele origin: germline.
Comment: The p.Y77* pathogenic mutation (also known as c.231C>G), located in coding exon 1 of the MEN1 gene, results from a C to G substitution at nucleotide position 231. This changes the amino acid from a tyrosine to a stop codon within coding exon 1. This mutation has been previously reported in individuals with multiple endocrine neoplasia type 1 (MEN1) (Klein RD et al. Genet. Med., 2005 Feb;7:131-8; Isailovic T et al. J Med Biochem, 2019 Mar;38:38-44). In addition to the clinical data presented in the literature, this alteration is expected to result in loss of function by premature protein truncation or nonsense-mediated mRNA decay. As such, this alteration is interpreted as a disease-causing mutation.

GeneDx
Classification: Pathogenic. Last evaluated: 2022-05-20. Review status: criteria provided, single submitter. Criteria: GeneDx Variant Classification Process June 2021. Collection method: clinical testing. Allele origin: germline. Affected: yes.
Comment: Nonsense variant predicted to result in protein truncation or nonsense mediated decay in a gene for which loss of function is a known mechanism of disease; Not observed at significant frequency in large population cohorts (gnomAD); Observed in an individual undergoing testing for Multiple Endocrine Neoplasia type 1 (Klein 2005); This variant is associated with the following publications: (PMID: 25525159, 15714081)

Women's Health and Genetics/Laboratory Corporation of America, LabCorp
Classification: Likely pathogenic for Multiple endocrine neoplasia, type 1. Last evaluated: 2021-12-13. Review status: criteria provided, single submitter. Criteria: LabCorp Variant Classification Summary - May 2015. Collection method: clinical testing. Allele origin: germline.
Comment: Variant summary: MEN1 c.231C>G (p.Tyr77X) results in a premature termination codon, predicted to cause a truncation of the encoded protein or absence of the protein due to nonsense mediated decay, which are commonly known mechanisms for disease. Truncations downstream of this position have been classified as pathogenic by our laboratory (example: c.228delC [p.Tyr77ThrfsX42], c.292C>T [p.Arg98X]). The variant was absent in 223538 control chromosomes. c.231C>G has been reported in the literature in individuals affected with Multiple Endocrine Neoplasia Type 1 (example: Kovesdi_2019, Isailovic_2019, Klein_2005). These data indicate that the variant may be associated with disease. To our knowledge, no experimental evidence demonstrating an impact on protein function has been reported. One ClinVar submitter has assessed the variant since 2014: the variant was classified as pathogenic. Based on the evidence outlined above, the variant was classified as likely pathogenic.

Department of Pathology and Laboratory Medicine, Sinai Health System
Classification: Pathogenic for Multiple endocrine neoplasia, type 1. Last evaluated: 2021-04-27. Review status: criteria provided, single submitter. Criteria: ACMG Guidelines, 2015. Collection method: clinical testing. Allele origin: germline. Affected: yes.

Literature cited by the submitters: PubMed 12112656 (cited by Labcorp Genetics (formerly Invitae), Labcorp); PubMed 17853334 (cited by Labcorp Genetics (formerly Invitae), Labcorp); PubMed 15714081 (cited by 4 submitters); PubMed 30820182 (cited by Ambry Genetics and Women's Health and Genetics/Laboratory Corporation of America, LabCorp); PubMed 31044390 (cited by Women's Health and Genetics/Laboratory Corporation of America, LabCorp).

NM_001370259.2(MEN1):c.231C>G (p.Tyr77Ter)

Gene: MEN1 (menin 1; minus strand). Cytogenetic location: 11q13.1.
Variant type: single nucleotide variant.
Coding change: c.231C>G on transcript NM_001370259.2 (MANE Select); coding-DNA position 231, C replaced by G.
Protein change: p.Tyr77Ter; replaces tyrosine 77 with a stop codon.
Molecular consequence: nonsense.
Genome position (GRCh38, 1-based): chr11:64,809,879, G>C on the plus strand (C>G on the coding strand, the complement: MEN1 is on the minus strand). VCF-style: chr11-64809879-G-C. GRCh37 (hg19) VCF-style: chr11-64577351-G-C.
Other names: c.231C>G, p.Tyr77Ter (NM_000244.4, NM_001370251.2, NM_001370260.2 and 9 more transcripts); short protein forms Y77*.
Identifiers: ClinVar variation 527270 (VCV000527270.19), dbSNP rs1555166567, ClinGen allele CA381187598.